The following is an entry in ClinVar:

ClinVar aggregate classification (germline): Uncertain significance. Review status: criteria provided, multiple submitters, no conflicts (2 of 4 stars). 2 submissions from 2 submitters: Uncertain significance (2). Last evaluated 2025-10-29.

Conditions:
Inborn genetic diseases. Identifiers: MedGen C0950123, MeSH D030342.

Allele frequency attached by ClinVar (database versions not stated): ExAC 0.00003.
gnomAD v4.1: 60 of 1,613,872 alleles (0.0037%); highest among the groups gnomAD compares: Non-Finnish European, 0.005%; no homozygotes.

Submissions (2):

Labcorp Genetics (formerly Invitae), Labcorp
Classification: Uncertain significance. Last evaluated: 2025-10-29. Review status: criteria provided, single submitter. Criteria: Invitae Variant Classification Sherloc (09022015). Collection method: clinical testing. Allele origin: germline.
Comment: This sequence change replaces serine, which is neutral and polar, with arginine, which is basic and polar, at codon 60 of the CLCN7 protein (p.Ser60Arg). This variant is present in population databases (rs746442657, gnomAD 0.004%). This variant has not been reported in the literature in individuals affected with CLCN7-related conditions. ClinVar contains an entry for this variant (Variation ID: 2416346). Invitae Evidence Modeling of protein sequence and biophysical properties (such as structural, functional, and spatial information, amino acid conservation, physicochemical variation, residue mobility, and thermodynamic stability) indicates that this missense variant is not expected to disrupt CLCN7 protein function with a negative predictive value of 95%. In summary, the available evidence is currently insufficient to determine the role of this variant in disease. Therefore, it has been classified as a Variant of Uncertain Significance.

Ambry Genetics
Classification: Uncertain significance for Inborn genetic diseases. Last evaluated: 2025-06-03. Review status: criteria provided, single submitter. Criteria: Ambry Variant Classification Scheme 2023. Collection method: clinical testing. Allele origin: germline.

NM_001287.6(CLCN7):c.180C>G (p.Ser60Arg)

Gene: CLCN7 (chloride voltage-gated channel 7; minus strand). Cytogenetic location: 16p13.3.
Variant type: single nucleotide variant.
Coding change: c.180C>G on transcript NM_001287.6 (MANE Select); coding-DNA position 180, C replaced by G.
Protein change: p.Ser60Arg; replaces serine 60 with arginine.
Molecular consequence: missense variant. On other transcripts: intron variant (1).
Genome position (GRCh38, 1-based): chr16:1,465,300, G>C on the plus strand (C>G on the coding strand, the complement: CLCN7 is on the minus strand). VCF-style: chr16-1465300-G-C. GRCh37 (hg19) VCF-style: chr16-1515301-G-C.
Other names: c.142-3626C>G (NM_001114331.3); c.180C>G (NM_001287.4); short protein forms S60R.
Identifiers: ClinVar variation 2416346 (VCV002416346.7), dbSNP rs746442657, ClinGen allele CA7810906.